The following is an entry in ClinVar:

ClinVar aggregate classification (germline): Uncertain significance (1 of 4 stars; one submission).

Submission:

Labcorp Genetics (formerly Invitae), Labcorp
Classification: Uncertain significance. Last evaluated: 2022-08-16. Review status: criteria provided, single submitter. Criteria: Invitae Variant Classification Sherloc (09022015). Collection method: clinical testing. Allele origin: germline.
Comment: Algorithms developed to predict the effect of missense changes on protein structure and function (SIFT, PolyPhen-2, Align-GVGD) all suggest that this variant is likely to be disruptive. This sequence change replaces leucine, which is neutral and non-polar, with arginine, which is basic and polar, at codon 1201 of the CAD protein (p.Leu1201Arg). This variant is not present in population databases (gnomAD no frequency). This variant has not been reported in the literature in individuals affected with CAD-related conditions. In summary, the available evidence is currently insufficient to determine the role of this variant in disease. Therefore, it has been classified as a Variant of Uncertain Significance.

NM_004341.5(CAD):c.3602T>G (p.Leu1201Arg)

Gene: CAD (carbamoyl-phosphate synthetase 2, aspartate transcarbamylase, and dihydroorotase; plus strand). Cytogenetic location: 2p23.3.
Variant type: single nucleotide variant.
Coding change: c.3602T>G on transcript NM_004341.5 (MANE Select); coding-DNA position 3602, T replaced by G.
Protein change: p.Leu1201Arg; replaces leucine 1201 with arginine.
Molecular consequence: missense variant.
Genome position (GRCh38, 1-based): chr2:27,234,210, T>G. VCF-style: chr2-27234210-T-G. GRCh37 (hg19) VCF-style: chr2-27457078-T-G.
Other names: c.3413T>G, p.Leu1138Arg (NM_001306079.2); short protein forms L1138R, L1201R.
Identifiers: ClinVar variation 2110192 (VCV002110192.4), dbSNP rs2465333188, ClinGen allele CA346215910.
Genomic context (GRCh38, chr2:27,234,210, plus strand): 5'-GGATCAAAGCCATTGTGCATGCTGTGGGCCAGGAGCTACAGGTCACAGGACCCTTCAATC[T>G]GCAGCTCATTGCCAAGGTAATAAGGCTAAAGGAAAGAACTAAAGGGCCACAGCTCTTGCA-3'
Protein context (NP_004332.2, residues 1191-1211): QELQVTGPFN[Leu1201Arg]QLIAKDDQLK